The following is an entry in ClinVar:

ClinVar aggregate classification (germline): Uncertain significance. Review status: criteria provided, multiple submitters, no conflicts (2 of 4 stars). 4 submissions from 4 submitters: Uncertain significance (4). Last evaluated 2025-02-09.

Conditions:
Familial thoracic aortic aneurysm and aortic dissection (TAAD). Also called: Thoracic aortic aneurysms and dissections. Identifiers: Orphanet 91387, MedGen C4707243, MONDO:0019625.
MYLK-related disorder. Also called: MYLK-related condition.
Aortic aneurysm, familial thoracic 7 (AAT7). Also called: AORTIC DISSECTION, FAMILIAL, WITH OR WITHOUT AORTIC ANEURYSM. Identifiers: MedGen C3151077, MONDO:0013418, OMIM 613780.

Allele frequency attached by ClinVar (database versions not stated): TOPMed below 0.00001; gnomAD 0.00001.
gnomAD v4.1: 7 of 1,613,606 alleles (0.00043%); highest among the groups gnomAD compares: African/African-American, 0.0013%; no homozygotes.

Submissions (4):

Labcorp Genetics (formerly Invitae), Labcorp
Classification: Uncertain significance for Aortic aneurysm, familial thoracic 7. Last evaluated: 2025-02-09. Review status: criteria provided, single submitter. Criteria: Invitae Variant Classification Sherloc (09022015). Collection method: clinical testing. Allele origin: germline.
Comment: This sequence change replaces threonine, which is neutral and polar, with asparagine, which is neutral and polar, at codon 962 of the MYLK protein (p.Thr962Asn). This variant is not present in population databases (gnomAD no frequency). This variant has not been reported in the literature in individuals affected with MYLK-related conditions. ClinVar contains an entry for this variant (Variation ID: 1342081). Invitae Evidence Modeling of protein sequence and biophysical properties (such as structural, functional, and spatial information, amino acid conservation, physicochemical variation, residue mobility, and thermodynamic stability) indicates that this missense variant is not expected to disrupt MYLK protein function with a negative predictive value of 80%. In summary, the available evidence is currently insufficient to determine the role of this variant in disease. Therefore, it has been classified as a Variant of Uncertain Significance.

GeneDx
Classification: Uncertain significance. Last evaluated: 2024-12-16. Review status: criteria provided, single submitter. Criteria: GeneDx Variant Classification Process June 2021. Collection method: clinical testing. Allele origin: germline. Affected: yes.
Comment: Has not been previously published as pathogenic or benign to our knowledge; Not observed at significant frequency in large population cohorts (gnomAD); In silico analysis indicates that this missense variant does not alter protein structure/function

PreventionGenetics, part of Exact Sciences
Classification: Uncertain significance for MYLK-related condition. Last evaluated: 2024-11-18. Review status: criteria provided, single submitter. Criteria: ACMG Guidelines, 2015. Collection method: clinical testing. Allele origin: germline.
Comment: The MYLK c.2885C>A variant is predicted to result in the amino acid substitution p.Thr962Asn. To our knowledge, this variant has not been reported in the literature or in a large population database (gnomAD), indicating this variant is rare. At this time, the clinical significance of this variant is uncertain due to the absence of conclusive functional and genetic evidence.

Ambry Genetics
Classification: Uncertain significance for Familial thoracic aortic aneurysm and aortic dissection. Last evaluated: 2022-04-03. Review status: criteria provided, single submitter. Criteria: Ambry Variant Classification Scheme 2023. Collection method: clinical testing. Allele origin: germline.
Comment: The p.T962N variant (also known as c.2885C>A), located in coding exon 15 of the MYLK gene, results from a C to A substitution at nucleotide position 2885. The threonine at codon 962 is replaced by asparagine, an amino acid with similar properties. This amino acid position is conserved. In addition, this alteration is predicted to be tolerated by in silico analysis. Since supporting evidence is limited at this time, the clinical significance of this alteration remains unclear.

NM_053025.4(MYLK):c.2885C>A (p.Thr962Asn)

Gene: MYLK (myosin light chain kinase; minus strand). Cytogenetic location: 3q21.1.
Variant type: single nucleotide variant.
Coding change: c.2885C>A on transcript NM_053025.4 (MANE Select); coding-DNA position 2885, C replaced by A.
Protein change: p.Thr962Asn; replaces threonine 962 with asparagine.
Molecular consequence: missense variant.
Genome position (GRCh38, 1-based): chr3:123,700,583, G>T on the plus strand (C>A on the coding strand, the complement: MYLK is on the minus strand). VCF-style: chr3-123700583-G-T. GRCh37 (hg19) VCF-style: chr3-123419430-G-T.
Other names: c.2357C>A, p.Thr786Asn (NM_001321309.2); c.2678C>A, p.Thr893Asn (NM_053026.4, NM_053028.4); c.2885C>A, p.Thr962Asn (NM_053027.4); short protein forms T786N, T893N, T962N.
Identifiers: ClinVar variation 1342081 (VCV001342081.8), dbSNP rs201266960, ClinGen allele CA82925042.